The following is an entry in ClinVar:

NM_000030.3(AGXT):c.1151T>C (p.Leu384Pro)

Gene: AGXT (alanine--glyoxylate aminotransferase; plus strand). Cytogenetic location: 2q37.3.
Variant type: single nucleotide variant.
Coding change: c.1151T>C on transcript NM_000030.3 (MANE Select); coding-DNA position 1151, T replaced by C.
Protein change: p.Leu384Pro; replaces leucine 384 with proline.
Molecular consequence: missense variant.
Genome position (GRCh38, 1-based): chr2:240,878,793, T>C. VCF-style: chr2-240878793-T-C. GRCh37 (hg19) VCF-style: chr2-241818210-T-C.
Other names: short protein forms L384P.
Identifiers: ClinVar variation 204150 (VCV000204150.11), dbSNP rs180177165, ClinGen allele CA275789.

ClinVar aggregate classification (germline): Conflicting classifications of pathogenicity. Review status: criteria provided, conflicting classifications (1 of 4 stars). 5 submissions from 5 submitters: Likely pathogenic (2); Uncertain significance (2). 1 of the submissions does not count toward it. Last evaluated 2025-11-10.

Conditions:
Primary hyperoxaluria, type I (HP1). Also called: GLYCOLIC ACIDURIA; HEPATIC AGT DEFICIENCY; OXALOSIS I; Primary hyperoxaluria type 1. Identifiers: Orphanet 416, Orphanet 93598, MedGen C0268164, MONDO:0009823, OMIM 259900. Disease mechanism: loss of function.

Allele frequency attached by ClinVar (database versions not stated): TOPMed below 0.00001; gnomAD exomes below 0.00001 and 0.00001; gnomAD 0.00001.
gnomAD v4.1: 6 of 1,594,468 alleles (0.00038%); highest among the groups gnomAD compares: African/African-American, 0.0013%; no homozygotes.

Submissions (5):

Natera, Inc.
Classification: Likely pathogenic for Primary hyperoxaluria type I. Last evaluated: 2025-11-10. Review status: criteria provided, single submitter. Criteria: Natera Variant Classification Schema (03/2026). Collection method: clinical testing. Allele origin: germline.
Comment: The c.1151T>C variant in AGXT is a missense variant predicted to cause substitution of leucine to proline at amino acid 384. This variant is rare in the general population with a frequency below the threshold expected for the associated phenotype(s). This variant has been observed in one or more individuals affected with the associated recessive disease, as either homozygous or compound heterozygous with a second variant (PMID: 24385516, 24988064). This variant has been identified in one or more affected individual with a phenotype highly consistent with the associated gene (PMID: 24385516, 24988064). Computational prediction algorithms indicate this variant is likely to affect gene or protein function. Given the available evidence, this variant is classified as Likely Pathogenic.

Myriad Genetics, Inc.
Classification: Likely pathogenic for Primary hyperoxaluria, type I. Last evaluated: 2025-04-16. Review status: criteria provided, single submitter. Criteria: Myriad Autosomal Dominant, Autosomal Recessive and X-Linked Classification Criteria (2023). Collection method: clinical testing. Allele origin: unknown.
Comment: NM_000030.2(AGXT):c.1151T>C(L384P) is a missense variant classified as likely pathogenic in the context of primary hyperoxaluria type 1. L384P has been observed in cases with relevant disease (PMID: 24385516, 24988064, Ganhao_2020_(Article)). Relevant functional assessments of this variant are not available in the literature. L384P has been observed in referenced population frequency databases. In summary, NM_000030.2(AGXT):c.1151T>C(L384P) is a missense variant that has been observed more frequently in cases with the relevant disease than in healthy populations. Please note: this variant was assessed in the context of healthy population screening.

Women's Health and Genetics/Laboratory Corporation of America, LabCorp
Classification: Uncertain significance. Last evaluated: 2025-01-14. Review status: criteria provided, single submitter. Criteria: LabCorp Variant Classification Summary - May 2015. Collection method: clinical testing. Allele origin: germline.
Comment: Variant summary: AGXT c.1151T>C (p.Leu384Pro) results in a non-conservative amino acid change in the encoded protein sequence. Five of five in-silico tools predict a damaging effect of the variant on protein function. The variant allele was found at a frequency of 9.2e-06 in 217048 control chromosomes. The available data on variant occurrences in the general population are insufficient to allow any conclusion about variant significance. c.1151T>C has been reported in the literature in individual(s) affected with Primary Hyperoxaluria Type 1 but clinical presentations and genotypes have not been provided (Williams_2009). These report(s) do not provide unequivocal conclusions about association of the variant with Primary Hyperoxaluria Type 1. At least one publication reports experimental evidence evaluating an impact on protein function and showed significantly reduced activity and stability; however, these data does not allow convincing conclusions about the variant effect (Lage_2014). ClinVar contains an entry for this variant (Variation ID: 204150). Based on the evidence outlined above, the variant was classified as uncertain significance.

Labcorp Genetics (formerly Invitae), Labcorp
Classification: Uncertain significance. Last evaluated: 2024-09-05. Review status: criteria provided, single submitter. Criteria: Invitae Variant Classification Sherloc (09022015). Collection method: clinical testing. Allele origin: germline.
Comment: This sequence change replaces leucine, which is neutral and non-polar, with proline, which is neutral and non-polar, at codon 384 of the AGXT protein (p.Leu384Pro). The frequency data for this variant in the population databases is considered unreliable, as metrics indicate poor data quality at this position in the gnomAD database. This missense change has been observed in individual(s) with hyperoxaluria (PMID: 19479957). ClinVar contains an entry for this variant (Variation ID: 204150). Invitae Evidence Modeling of protein sequence and biophysical properties (such as structural, functional, and spatial information, amino acid conservation, physicochemical variation, residue mobility, and thermodynamic stability) indicates that this missense variant is expected to disrupt AGXT protein function with a positive predictive value of 80%. In summary, the available evidence is currently insufficient to determine the role of this variant in disease. Therefore, it has been classified as a Variant of Uncertain Significance.

Clinical Biochemistry Laboratory, Health Services Laboratory
Classification: Pathogenic for Primary hyperoxaluria, type I. Last evaluated: 2014-11-27. Review status: no assertion criteria provided. Collection method: in vitro. Allele origin: germline. Affected: yes. Not counted in ClinVar's aggregate classification.

Literature cited by the submitters: PubMed 24385516 (cited by Natera, Inc.); PubMed 24988064 (cited by Natera, Inc.); PubMed 19479957 (cited by 3 submitters); PubMed 24718375 (cited by Women's Health and Genetics/Laboratory Corporation of America, LabCorp and Clinical Biochemistry Laboratory, Health Services Laboratory).